The following is an entry in ClinVar:

ClinVar aggregate classification (germline): Uncertain significance. Review status: criteria provided, multiple submitters, no conflicts (2 of 4 stars). 2 submissions from 2 submitters: Uncertain significance (2). Last evaluated 2025-08-14.

Conditions:
Cardiomyopathy (CMYO). Also called: Cardiomyopathies. Identifiers: Orphanet 167848, MedGen C0878544, MONDO:0004994, HP:0001638. Inheritance: Various modes of inheritance.
Cardiovascular phenotype. Identifiers: MedGen CN230736.

gnomAD v4.1: 1 of 1,614,110 alleles (0.000062%); highest among the groups gnomAD compares: Non-Finnish European, 0.000085%; no homozygotes.

Submissions (2):

Color Diagnostics, LLC DBA Color Health
Classification: Uncertain significance for Cardiomyopathy. Last evaluated: 2025-08-14. Review status: criteria provided, single submitter. Criteria: ACMG Guidelines, 2015. Collection method: clinical testing. Allele origin: germline.
Comment: This missense variant replaces methionine with valine at codon 201 of the TNNI3 protein. Computational prediction suggests that this variant may have deleterious impact on protein structure and function. To our knowledge, functional studies have not been reported for this variant. This variant has not been reported in individuals affected with TNNI3-related disorders in the literature. This variant has not been identified in the general population by the Genome Aggregation Database (gnomAD). The available evidence is insufficient to determine the role of this variant in disease conclusively. Therefore, this variant is classified as a Variant of Uncertain Significance.

Ambry Genetics
Classification: Uncertain significance for Cardiovascular phenotype. Last evaluated: 2024-12-12. Review status: criteria provided, single submitter. Criteria: Ambry Variant Classification Scheme 2023. Collection method: clinical testing. Allele origin: germline.
Comment: The p.M201V variant (also known as c.601A>G), located in coding exon 8 of the TNNI3 gene, results from an A to G substitution at nucleotide position 601. The methionine at codon 201 is replaced by valine, an amino acid with highly similar properties. This amino acid position is highly conserved in available vertebrate species. In addition, this alteration is predicted to be deleterious by in silico analysis. Based on the available evidence, the clinical significance of this variant remains unclear.

NM_000363.5(TNNI3):c.601A>G (p.Met201Val)

Gene: TNNI3 (troponin I3, cardiac type; minus strand). Cytogenetic location: 19q13.42.
Variant type: single nucleotide variant.
Coding change: c.601A>G on transcript NM_000363.5 (MANE Select); coding-DNA position 601, A replaced by G.
Protein change: p.Met201Val; replaces methionine 201 with valine.
Molecular consequence: missense variant.
Genome position (GRCh38, 1-based): chr19:55,151,866, T>C on the plus strand (A>G on the coding strand, the complement: TNNI3 is on the minus strand). VCF-style: chr19-55151866-T-C. GRCh37 (hg19) VCF-style: chr19-55663234-T-C.
Other names: short protein forms M201V.
Identifiers: ClinVar variation 3809041 (VCV003809041.2).